The following is an entry in ClinVar:

ClinVar aggregate classification (germline): Uncertain significance (1 of 4 stars; one submission).

gnomAD v4.1: 2 of 1,601,440 alleles (0.00012%); highest among the groups gnomAD compares: South Asian, 0.0022%; no homozygotes.

Submission:

Women's Health and Genetics/Laboratory Corporation of America, LabCorp
Classification: Uncertain significance. Last evaluated: 2026-06-19. Review status: criteria provided, single submitter. Criteria: LabCorp Variant Classification Summary - May 2015. Collection method: clinical testing. Allele origin: germline.
Comment: Variant summary: OBSL1 c.2647G>A (p.Asp883Asn) results in a conservative amino acid change in the encoded protein sequence. Algorithms developed to predict the effect of missense changes on protein structure and function are either unavailable or do not agree on the potential impact of this missense change. The variant allele was found at a frequency of 4.2e-06 in 238708 control chromosomes. The available data on variant occurrences in the general population are insufficient to allow any conclusion about variant significance. To our knowledge, no occurrence of c.2647G>A in individuals affected with OBSL1-related conditions and no experimental evidence demonstrating its impact on protein function have been reported. No submitters have cited clinical-significance assessments for this variant to ClinVar. Based on the evidence outlined above, the variant was classified as uncertain significance.

NM_015311.3(OBSL1):c.2647G>A (p.Asp883Asn)

Gene: OBSL1 (obscurin like cytoskeletal adaptor 1; minus strand). Cytogenetic location: 2q35.
Variant type: single nucleotide variant.
Coding change: c.2647G>A on transcript NM_015311.3 (MANE Select); coding-DNA position 2647, G replaced by A.
Protein change: p.Asp883Asn; replaces aspartic acid 883 with asparagine.
Molecular consequence: missense variant.
Genome position (GRCh38, 1-based): chr2:219,563,388, C>T on the plus strand (G>A on the coding strand, the complement: OBSL1 is on the minus strand). VCF-style: chr2-219563388-C-T. GRCh37 (hg19) VCF-style: chr2-220428110-C-T.
Other names: c.2647G>A, p.Asp883Asn (NM_001173408.2, NM_001173431.2); short protein forms D883N.
Identifiers: ClinVar variation 4887792 (VCV004887792.1).
Genomic context (GRCh38, chr2:219,563,388, plus strand): 5'-GCCTCCGAGGCCCACCTGGCCCCCCACCTGTGATGGTGACAGTGAAGTAGGCACACTCAT[C>T]TCCAGCGACGCACTGAAACTCGCCCCCGTCTGAGGGCTGGGTGGCGGGCAGCACCAGGCG-3'
Protein context (NP_056126.1, residues 873-893): DGGEFQCVAG[Asp883Asn]ECAYFTVTIT